The following is an entry in ClinVar:

ClinVar aggregate classification (germline): Uncertain significance (1 of 4 stars; one submission).

Conditions:
Ghosal hematodiaphyseal dysplasia. Also called: Ghosal hematodiaphyseal syndrome. Identifiers: Orphanet 1802, MedGen C1856465, MONDO:0009274, OMIM 231095.

Allele frequency attached by ClinVar (database versions not stated): gnomAD exomes below 0.00001 and 0.00001; ExAC 0.00002; gnomAD 0.00007 and 0.00008; TOPMed 0.00009; 1000 Genomes Project 0.00020; 1000 Genomes Project 30x 0.00047.
gnomAD v4.1: 21 of 1,614,016 alleles (0.0013%); highest among the groups gnomAD compares: African/African-American, 0.019%; no homozygotes.

Submission:

New York Genome Center
Classification: Uncertain significance for Ghosal hematodiaphyseal dysplasia. Last evaluated: 2020-06-26. Review status: criteria provided, single submitter. Criteria: NYGC Assertion Criteria 2020. Collection method: clinical testing. Allele origin: inherited. Observed: 1 compound heterozygote. Study: CSER-NYCKidSeq.
Comment: The inherited c.1420G>A (p.Ala474Thr) variant identified in the TBXAS1 gene substitutes a conserved Alanine for Threonine at amino acid 474/534 (exon 16/17). This variant is found with low frequency in gnomAD(v3.0) (10 heterozygotes, 0 homozygotes; allele frequency: 6.98e-5) suggesting it is not a common benign variant in the populations represented in that database. In silico algorithms predict this variant to be Neutral (Provean; score:-1.96) and Tolerated (SIFT; score:0.152) to the function of the canonical transcript. This variant is absent from ClinVar and to our current knowledge has not been reported in affected individuals in the literature. The p.Ala474 residue is not within a mapped domain of TBXAS1 (UniProtKB:P24557). Given the lack of compelling evidence for its pathogenicity, the inherited c.1420G>A (p.Ala474Thr) variant identified in the TBXAS1 gene is reported as a Variant of Uncertain Significance.

NM_001061.7(TBXAS1):c.1420G>A (p.Ala474Thr)

Gene: TBXAS1 (thromboxane A synthase 1; plus strand). Cytogenetic location: 7q34.
Variant type: single nucleotide variant.
Coding change: c.1420G>A on transcript NM_001061.7 (MANE Select); coding-DNA position 1420, G replaced by A.
Protein change: p.Ala474Thr; replaces alanine 474 with threonine.
Molecular consequence: missense variant. On other transcripts: intron variant (1).
Genome position (GRCh38, 1-based): chr7:140,017,726, G>A. VCF-style: chr7-140017726-G-A. GRCh37 (hg19) VCF-style: chr7-139717526-G-A.
Other names: c.1420G>A, p.Ala474Thr (NM_001130966.5); c.1558G>A, p.Ala520Thr (NM_001166253.4); c.1219G>A, p.Ala407Thr (NM_001166254.4); c.1363G>A, p.Ala455Thr (NM_001314028.4); c.1237G>A, p.Ala413Thr (NM_001366537.3); c.1364+1866G>A (NM_030984.6); short protein forms A407T, A413T, A455T, A474T, A520T.
Identifiers: ClinVar variation 1184409 (VCV001184409.1), dbSNP rs535281830, ClinGen allele CA4512042.
Genomic context (GRCh38, chr7:140,017,726, plus strand): 5'-TGCAGGTTCACGGCTGAGGCCCGGCAGCAGCACCGGCCCTTCACGTACCTGCCCTTCGGG[G>A]CCGGCCCACGGAGCTGCCTCGGGGTGCGTCTAGGGCTGCTTGAGGTCAAGTTGACACTGC-3'
Protein context (NP_001052.3, residues 464-484): HRPFTYLPFG[Ala474Thr]GPRSCLGVRL